The following is an entry in ClinVar:

NM_007315.4(STAT1):c.478A>C (p.Ile160Leu)

Gene: STAT1 (signal transducer and activator of transcription 1; minus strand). Cytogenetic location: 2q32.2.
Variant type: single nucleotide variant.
Coding change: c.478A>C on transcript NM_007315.4 (MANE Select); coding-DNA position 478, A replaced by C.
Protein change: p.Ile160Leu; replaces isoleucine 160 with leucine.
Molecular consequence: missense variant.
Genome position (GRCh38, 1-based): chr2:190,999,689, T>G on the plus strand (A>C on the coding strand, the complement: STAT1 is on the minus strand). VCF-style: chr2-190999689-T-G. GRCh37 (hg19) VCF-style: chr2-191864415-T-G.
Other names: c.478A>C, p.Ile160Leu (NM_001384880.1, NM_001384882.1, NM_001384885.1 and 5 more transcripts); c.484A>C, p.Ile162Leu (NM_001384881.1, NM_001384884.1); c.471A>C, p.Lys157Asn (NM_001384883.1); c.388A>C, p.Ile130Leu (NM_001384890.1); c.514A>C, p.Ile172Leu (NM_001384891.1); short protein forms I160L, I130L, I162L, I172L, K157N.
Identifiers: ClinVar variation 648892 (VCV000648892.12), dbSNP rs371548986, ClinGen allele CA2030216.

ClinVar aggregate classification (germline): Uncertain significance. Review status: criteria provided, multiple submitters, no conflicts (2 of 4 stars). 4 submissions from 4 submitters: Uncertain significance (4). Last evaluated 2025-03-09.

Conditions:
Immunodeficiency 31B. Also called: STAT1 DEFICIENCY, AUTOSOMAL RECESSIVE; IMMUNODEFICIENCY 31B, MYCOBACTERIAL AND VIRAL INFECTIONS, AUTOSOMAL RECESSIVE. Identifiers: Orphanet 391311, MedGen C3151088, MONDO:0013427, OMIM 613796.
Autoimmune enteropathy and endocrinopathy - susceptibility to chronic infections syndrome. Also called: Immunodeficiency 31C; Immunodeficiency 31C, autosomal dominant. Identifiers: Orphanet 391487, MedGen C3279990, MONDO:0013599, OMIM 614162.
Mendelian susceptibility to mycobacterial diseases due to partial STAT1 deficiency. Also called: IMMUNODEFICIENCY 31A, MYCOBACTERIOSIS, AUTOSOMAL DOMINANT; STAT1 DEFICIENCY, AUTOSOMAL DOMINANT; Immunodeficiency 31a. Identifiers: Orphanet 319595, MedGen C4013950, MONDO:0013956, OMIM 614892.

Allele frequency attached by ClinVar (database versions not stated): gnomAD 0.00001; ExAC 0.00002; gnomAD exomes 0.00002 and 0.00005; TOPMed 0.00002; ESP Exome Variant Server 0.00008.
gnomAD v4.1: 72 of 1,613,058 alleles (0.0045%); highest among the groups gnomAD compares: Non-Finnish European, 0.0058%; no homozygotes.

Submissions (4):

Labcorp Genetics (formerly Invitae), Labcorp
Classification: Uncertain significance for Mendelian susceptibility to mycobacterial diseases due to partial STAT1 deficiency; Immunodeficiency 31B; Autoimmune enteropathy and endocrinopathy - susceptibility to chronic infections syndrome. Last evaluated: 2025-03-09. Review status: criteria provided, single submitter. Criteria: Invitae Variant Classification Sherloc (09022015). Collection method: clinical testing. Allele origin: germline.
Comment: This sequence change replaces isoleucine, which is neutral and non-polar, with leucine, which is neutral and non-polar, at codon 160 of the STAT1 protein (p.Ile160Leu). The frequency data for this variant in the population databases is considered unreliable, as metrics indicate poor data quality at this position in the gnomAD database. This variant has not been reported in the literature in individuals affected with STAT1-related conditions. ClinVar contains an entry for this variant (Variation ID: 648892). An algorithm developed to predict the effect of missense changes on protein structure and function (PolyPhen-2) suggests that this variant is likely to be tolerated. In summary, the available evidence is currently insufficient to determine the role of this variant in disease. Therefore, it has been classified as a Variant of Uncertain Significance.

Blueprint Genetics
Classification: Uncertain significance. Last evaluated: 2022-01-03. Review status: criteria provided, single submitter. Criteria: ACMG Guidelines, 2015. Collection method: clinical testing. Allele origin: germline.

Baylor Genetics
Classification: Uncertain significance for Mendelian susceptibility to mycobacterial diseases due to partial STAT1 deficiency. Last evaluated: 2018-05-03. Review status: criteria provided, single submitter. Criteria: ACMG Guidelines, 2015. Collection method: clinical testing. Allele origin: maternal. Affected: yes.
Comment: This variant was determined to be of uncertain significance according to ACMG Guidelines, 2015 [PMID:25741868].

Breakthrough Genomics
Classification: Uncertain significance. Review status: criteria provided, single submitter. Criteria: ACMG Guidelines, 2015. Collection method: not provided. Allele origin: germline. Inheritance: Autosomal recessive inheritance. Affected: yes.